The following is an entry in ClinVar:

ClinVar aggregate classification (germline): Uncertain significance (1 of 4 stars; one submission).

gnomAD v4.1: 4 of 1,613,856 alleles (0.00025%); highest among the groups gnomAD compares: East Asian, 0.0022%; no homozygotes.

Submission:

Labcorp Genetics (formerly Invitae), Labcorp
Classification: Uncertain significance. Last evaluated: 2025-04-13. Review status: criteria provided, single submitter. Criteria: Invitae Variant Classification Sherloc (09022015). Collection method: clinical testing. Allele origin: germline.
Comment: This sequence change replaces methionine, which is neutral and non-polar, with isoleucine, which is neutral and non-polar, at codon 323 of the TOPORS protein (p.Met323Ile). This variant is present in population databases (rs776028938, gnomAD 0.006%). This variant has not been reported in the literature in individuals affected with TOPORS-related conditions. An algorithm developed to predict the effect of missense changes on protein structure and function (PolyPhen-2) suggests that this variant is likely to be disruptive. In summary, the available evidence is currently insufficient to determine the role of this variant in disease. Therefore, it has been classified as a Variant of Uncertain Significance.

NM_005802.5(TOPORS):c.969G>A (p.Met323Ile)

Gene: TOPORS (TOP1 binding arginine/serine rich protein, E3 ubiquitin ligase; minus strand). Cytogenetic location: 9p21.1.
Variant type: single nucleotide variant.
Coding change: c.969G>A on transcript NM_005802.5 (MANE Select); coding-DNA position 969, G replaced by A.
Protein change: p.Met323Ile; replaces methionine 323 with isoleucine.
Molecular consequence: missense variant.
Genome position (GRCh38, 1-based): chr9:32,543,556, C>T on the plus strand (G>A on the coding strand, the complement: TOPORS is on the minus strand). VCF-style: chr9-32543556-C-T. GRCh37 (hg19) VCF-style: chr9-32543554-C-T.
Other names: c.774G>A, p.Met258Ile (NM_001195622.2); short protein forms M258I, M323I.
Identifiers: ClinVar variation 4771074 (VCV004771074.1).
Genomic context (GRCh38, chr9:32,543,556, plus strand): 5'-AAATGGTCTTAAATCAGACACAAATGCCTGACTCTCCAAGTCATAGCGAGTAACATTACT[C>T]ATGATAATATGCTGGACAATATTCACTAAAGATCCATGAGCTCCAAAAAGAACTGTAAGT-3'
Protein context (NP_005793.2, residues 313-333): SLVNIVQHII[Met323Ile]SNVTRYDLES